The following is an entry in ClinVar:

ClinVar aggregate classification (germline): Uncertain significance. Review status: criteria provided, multiple submitters, no conflicts (2 of 4 stars). 3 submissions from 3 submitters: Uncertain significance (3). Last evaluated 2025-04-10.

gnomAD v4.1: 4 of 1,614,236 alleles (0.00025%); highest among the groups gnomAD compares: Admixed American, 0.0067%; no homozygotes.

Submissions (3):

Labcorp Genetics (formerly Invitae), Labcorp
Classification: Uncertain significance. Last evaluated: 2025-04-10. Review status: criteria provided, single submitter. Criteria: Invitae Variant Classification Sherloc (09022015). Collection method: clinical testing. Allele origin: germline.
Comment: This sequence change replaces histidine, which is basic and polar, with glutamine, which is neutral and polar, at codon 115 of the NEUROD1 protein (p.His115Gln). This variant is present in population databases (no rsID available, gnomAD 0.009%). This variant has not been reported in the literature in individuals affected with NEUROD1-related conditions. ClinVar contains an entry for this variant (Variation ID: 958320). Invitae Evidence Modeling of protein sequence and biophysical properties (such as structural, functional, and spatial information, amino acid conservation, physicochemical variation, residue mobility, and thermodynamic stability) indicates that this missense variant is expected to disrupt NEUROD1 protein function with a positive predictive value of 80%. In summary, the available evidence is currently insufficient to determine the role of this variant in disease. Therefore, it has been classified as a Variant of Uncertain Significance.

Blueprint Genetics
Classification: Uncertain significance. Last evaluated: 2020-09-15. Review status: criteria provided, single submitter. Criteria: ACMG Guidelines, 2015. Collection method: clinical testing. Allele origin: germline.

Breakthrough Genomics
Classification: Uncertain significance. Review status: criteria provided, single submitter. Criteria: ACMG Guidelines, 2015. Collection method: not provided. Allele origin: germline. Inheritance: Autosomal dominant inheritance. Affected: yes.

NM_002500.5(NEUROD1):c.345C>G (p.His115Gln)

Gene: NEUROD1 (neuronal differentiation 1; minus strand). Cytogenetic location: 2q31.3.
Variant type: single nucleotide variant.
Coding change: c.345C>G on transcript NM_002500.5 (MANE Select); coding-DNA position 345, C replaced by G.
Protein change: p.His115Gln; replaces histidine 115 with glutamine.
Molecular consequence: missense variant.
Genome position (GRCh38, 1-based): chr2:181,678,516, G>C on the plus strand (C>G on the coding strand, the complement: NEUROD1 is on the minus strand). VCF-style: chr2-181678516-G-C. GRCh37 (hg19) VCF-style: chr2-182543243-G-C.
Other names: short protein forms H115Q.
Identifiers: ClinVar variation 958320 (VCV000958320.11), dbSNP rs1217558991, ClinGen allele CA349785883.
Genomic context (GRCh38, chr2:181,678,516, plus strand): 5'-CTGCGTCTTAGAATAGCAAGGCACCACCTTGCGCAGGTTGTCTAGCGCCGCGTTCAGTCC[G>C]TGCATGCGGTTCCGCTCCCGGGCGTTAGCCTTCATGCGTCTCAATTTAAAACGCTCCAGG-3'
Protein context (NP_002491.3, residues 105-125): KANARERNRM[His115Gln]GLNAALDNLR